The following is an entry in ClinVar:

ClinVar aggregate classification (germline): Likely benign. Review status: criteria provided, multiple submitters, no conflicts (2 of 4 stars). 2 submissions from 2 submitters: Likely benign (2). Last evaluated 2026-09-25.

Conditions:
Charcot-Marie-Tooth disease axonal type 2O. Also called: CHARCOT-MARIE-TOOTH NEUROPATHY, AXONAL, TYPE 2O; CHARCOT-MARIE-TOOTH DISEASE, AXONAL, AUTOSOMAL DOMINANT, TYPE 2O; Charcot-Marie-Tooth Neuropathy Type 2O; Charcot-Marie-Tooth disease, axonal, type 20. Identifiers: Orphanet 284232, MedGen C3280220, MONDO:0013644, OMIM 614228.
DYNC1H1-related disorder. Also called: DYNC1H1-related disorders; DYNC1H1-related condition. Identifiers: MedGen CN381529.

Allele frequency attached by ClinVar (database versions not stated): TOPMed 0.00002.
gnomAD v4.1: 33 of 1,614,042 alleles (0.002%); highest among the groups gnomAD compares: Non-Finnish European, 0.0026%; no homozygotes.

Submissions (2):

PreventionGenetics, part of Exact Sciences
Classification: Likely benign for DYNC1H1-related condition. Last evaluated: 2026-09-25. Review status: criteria provided, single submitter. Criteria: ACMG Guidelines, 2015. Collection method: clinical testing. Allele origin: germline.
Comment: This variant is classified as likely benign based on ACMG/AMP sequence variant interpretation guidelines (Richards et al. 2015 PMID: 25741868, with internal and published modifications).

Labcorp Genetics (formerly Invitae), Labcorp
Classification: Likely benign for Charcot-Marie-Tooth disease axonal type 2O. Last evaluated: 2024-04-25. Review status: criteria provided, single submitter. Criteria: Invitae Variant Classification Sherloc (09022015). Collection method: clinical testing. Allele origin: germline.

NM_001376.5(DYNC1H1):c.6678G>A (p.Ser2226=)

Gene: DYNC1H1 (dynein cytoplasmic 1 heavy chain 1; plus strand). Cytogenetic location: 14q32.31.
Variant type: single nucleotide variant.
Coding change: c.6678G>A on transcript NM_001376.5 (MANE Select); coding-DNA position 6678, G replaced by A.
Protein change: p.Ser2226=; no amino-acid change (serine 2226 retained).
Molecular consequence: synonymous variant.
Genome position (GRCh38, 1-based): chr14:102,011,934, G>A. VCF-style: chr14-102011934-G-A. GRCh37 (hg19) VCF-style: chr14-102478271-G-A.
Other names: c.6678G>A (NM_001376.4).
Identifiers: ClinVar variation 1034615 (VCV001034615.9), dbSNP rs141898156, ClinGen allele CA7352662.
Genomic context (GRCh38, chr14:102,011,934, plus strand): 5'-GGTTCTCCAGCTCTATCAGATCACCCAGATCAATCATGGCCTGATGATGGTGGGGCCCTC[G>A]GGAAGTGGGAAGAGCATGGCCTGGCGTGTCCTGCTGAAGGCATTGGAGAGACTCGAGGGT-3'
Protein context (NP_001367.2, residues 2216-2236): INHGLMMVGP[Ser2226=]GSGKSMAWRV